The following is an entry in ClinVar:

NM_000144.5(FXN):c.587C>T (p.Thr196Ile)

Gene: FXN (frataxin; plus strand). Cytogenetic location: 9q21.11.
Variant type: single nucleotide variant.
Coding change: c.587C>T on transcript NM_000144.5 (MANE Select); coding-DNA position 587, C replaced by T.
Protein change: p.Thr196Ile; replaces threonine 196 with isoleucine.
Molecular consequence: missense variant. On other transcripts: 3 prime UTR variant (1).
Genome position (GRCh38, 1-based): chr9:69,072,716, C>T. VCF-style: chr9-69072716-C-T. GRCh37 (hg19) VCF-style: chr9-71687632-C-T.
Other names: c.*4C>T (NM_181425.3); short protein forms T196I.
Identifiers: ClinVar variation 4540275 (VCV004540275.1).

ClinVar aggregate classification (germline): Uncertain significance (1 of 4 stars; one submission).

gnomAD v4.1: 5 of 1,614,226 alleles (0.00031%); highest among the groups gnomAD compares: Non-Finnish European, 0.00042%; no homozygotes.

Submission:

GeneDx
Classification: Uncertain significance. Last evaluated: 2025-06-23. Review status: criteria provided, single submitter. Criteria: GeneDx Variant Classification Process June 2021. Collection method: clinical testing. Allele origin: germline. Affected: yes.
Comment: Not observed at significant frequency in large population cohorts (gnomAD); In silico analysis supports that this missense variant has a deleterious effect on protein structure/function; Has not been previously published as pathogenic or benign to our knowledge